The following is an entry in ClinVar:

NM_212482.4(FN1):c.4342+2T>C

Gene: FN1 (fibronectin 1; minus strand). Cytogenetic location: 2q35.
Variant type: single nucleotide variant.
Coding change: c.4342+2T>C on transcript NM_212482.4 (MANE Select); the canonical splice donor site of the intron after coding-DNA position 4342, T replaced by C.
Molecular consequence: splice donor variant.
Genome position (GRCh38, 1-based): chr2:215,388,210, A>G on the plus strand (T>C on the coding strand, the complement: FN1 is on the minus strand). VCF-style: chr2-215388210-A-G. GRCh37 (hg19) VCF-style: chr2-216252933-A-G.
Other names: c.4342+2T>C (NM_212482.3, NM_001306130.2, NM_001365522.2 and 4 more transcripts); c.4069+2T>C (NM_212474.3, NM_001306132.2, NM_001365523.2 and 7 more transcripts).
Identifiers: ClinVar variation 2696002 (VCV002696002.5), dbSNP rs769938830, ClinGen allele CA2094457.

ClinVar aggregate classification (germline): Uncertain significance. Review status: criteria provided, multiple submitters, no conflicts (2 of 4 stars). 3 submissions from 3 submitters: Uncertain significance (3). Last evaluated 2026-01-05.

Conditions:
Spondylometaphyseal dysplasia - Sutcliffe type. Also called: Sutcliffe type of spondylometaphyseal dysplasia; Sutcliffe SMD; Spondylometaphyseal dysplasia, 'corner fracture' type; Spondylometaphyseal Dysplasia, Corner Fracture Type. Identifiers: Orphanet 93315, MedGen C0432221, MONDO:0008479, OMIM 184255.
Glomerulopathy with fibronectin deposits 2 (GFND2). Identifiers: Orphanet 84090, MedGen C1866075, MONDO:0011165, OMIM 601894.

Allele frequency attached by ClinVar (database versions not stated): gnomAD exomes 0.00001; ExAC 0.00002; TOPMed 0.00002.
gnomAD v4.1: 8 of 1,609,486 alleles (0.0005%); highest among the groups gnomAD compares: Admixed American, 0.01%; no homozygotes.

Submissions (3):

Labcorp Genetics (formerly Invitae), Labcorp
Classification: Uncertain significance. Last evaluated: 2026-01-05. Review status: criteria provided, single submitter. Criteria: Invitae Variant Classification Sherloc (09022015). Collection method: clinical testing. Allele origin: germline.
Comment: This sequence change affects a donor splice site in intron 27 of the FN1 gene. It is expected to disrupt RNA splicing. Variants that disrupt the donor or acceptor splice site typically lead to a loss of protein function (PMID: 16199547), however the current clinical and genetic evidence is not sufficient to establish whether loss-of-function variants in FN1 cause disease. This variant is present in population databases (rs769938830, gnomAD 0.02%). This variant has not been reported in the literature in individuals affected with FN1-related conditions. ClinVar contains an entry for this variant (Variation ID: 2696002). Algorithms developed to predict the effect of sequence changes on RNA splicing suggest that this variant may disrupt the consensus splice site. In summary, the available evidence is currently insufficient to determine the role of this variant in disease. Therefore, it has been classified as a Variant of Uncertain Significance.

Fulgent Genetics
Classification: Uncertain significance for Spondylometaphyseal dysplasia - Sutcliffe type; Glomerulopathy with fibronectin deposits 2. Last evaluated: 2024-05-20. Review status: criteria provided, single submitter. Criteria: ACMG Guidelines, 2015. Collection method: clinical testing. Allele origin: germline.

Mayo Clinic Laboratories, Mayo Clinic
Classification: Uncertain significance. Last evaluated: 2023-07-18. Review status: criteria provided, single submitter. Criteria: ACMG Guidelines, 2015. Collection method: clinical testing. Allele origin: germline. Observed: 1 variant allele.
Comment: PVS1_moderate

Literature cited by the submitters: PubMed 16199547 (cited by Labcorp Genetics (formerly Invitae), Labcorp).